The following is an entry in ClinVar:

NM_001377137.1(GBF1):c.4879-13TGG[3]

Gene: GBF1 (golgi brefeldin A resistant guanine nucleotide exchange factor 1; plus strand). Cytogenetic location: 10q24.32.
Variant type: Microsatellite.
Coding change: c.4879-13TGG[3] on transcript NM_001377137.1 (MANE Select); three copies in a row of the 3-base unit TGG starting at c.4879-13; the reference has two copies in a row; one copy, 3 bases duplicated.
Molecular consequence: intron variant.
Genome position (GRCh38, 1-based): chr10:102,380,239-102,380,241, TGG duplicated; duplicating any 3 consecutive bases within chr10:102,380,236-102,380,241 gives the same sequence; the position shown is the placement nearest the transcript's 3' end. VCF-style (leftmost placement, unchanged base first): chr10-102380235-C-CTGG. GRCh37 (hg19) VCF-style: chr10-104139992-C-CTGG.
Other names: c.4876-10_4876-8dupTGG (NM_004193.2); c.4864-13TGG[3] (NM_001391924.1, NM_001199379.2, NM_001391927.1); c.4867-13TGG[3] (NM_001391923.1, NM_001199378.2); c.4876-13TGG[3] (NM_001377141.1, NM_004193.3); c.4975-13TGG[3] (NM_001411027.1); c.4963-13TGG[3] (NM_001391922.1); c.4951-13TGG[3] (NM_001411003.1); c.4831-13TGG[3] (NM_001391926.1); and 7 more.
Identifiers: ClinVar variation 4873616 (VCV004873616.3).

ClinVar aggregate classification (germline): Likely benign. Review status: criteria provided, multiple submitters, no conflicts (2 of 4 stars). 2 submissions from 2 submitters: Likely benign (2). Last evaluated 2026-07-14.

Conditions:
GBF1-related disorder. Also called: GBF1-related condition.

Submissions (2):

PreventionGenetics, part of Exact Sciences
Classification: Likely benign for GBF1-related condition. Last evaluated: 2026-07-14. Review status: criteria provided, single submitter. Criteria: ACMG Guidelines, 2015. Collection method: clinical testing. Allele origin: germline.
Comment: This variant is classified as likely benign based on ACMG/AMP sequence variant interpretation guidelines (Richards et al. 2015 PMID: 25741868, with internal and published modifications).

CeGaT Center for Human Genetics Tuebingen
Classification: Likely benign. Last evaluated: 2026-04-01. Review status: criteria provided, single submitter. Criteria: CeGaT Center For Human Genetics Tuebingen Variant Classification Criteria Version 2. Collection method: clinical testing. Allele origin: germline. Affected: yes. Observed: 1 variant allele.
Comment: GBF1: BP4, BS1